The following is an entry in ClinVar:

NM_002470.4(MYH3):c.2631A>C (p.Lys877Asn)

Gene: MYH3 (myosin heavy chain 3; minus strand). Cytogenetic location: 17p13.1.
Variant type: single nucleotide variant.
Coding change: c.2631A>C on transcript NM_002470.4 (MANE Select); coding-DNA position 2631, A replaced by C.
Protein change: p.Lys877Asn; replaces lysine 877 with asparagine.
Molecular consequence: missense variant.
Genome position (GRCh38, 1-based): chr17:10,640,047, T>G on the plus strand (A>C on the coding strand, the complement: MYH3 is on the minus strand). VCF-style: chr17-10640047-T-G. GRCh37 (hg19) VCF-style: chr17-10543364-T-G.
Other names: short protein forms K877N.
Identifiers: ClinVar variation 2635997 (VCV002635997.1), dbSNP rs1406016881, ClinGen allele CA398161221.

ClinVar aggregate classification (germline): Uncertain significance (1 of 4 stars; one submission).

Conditions:
MYH3-related disorder. Also called: MYH3-related condition; MYH3-Related Disorders. Identifiers: MedGen CN239329.

Allele frequency attached by ClinVar (database versions not stated): gnomAD exomes 0.00001.
gnomAD v4.1: 7 of 1,614,138 alleles (0.00043%); highest among the groups gnomAD compares: Non-Finnish European, 0.00059%; no homozygotes.

Submission:

PreventionGenetics, part of Exact Sciences
Classification: Uncertain significance for MYH3-related condition. Last evaluated: 2023-07-18. Review status: criteria provided, single submitter. Criteria: ACMG Guidelines, 2015. Collection method: clinical testing. Allele origin: germline.
Comment: The MYH3 c.2631A>C variant is predicted to result in the amino acid substitution p.Lys877Asn. To our knowledge, this variant has not been reported in the literature. This variant is reported in 0.00088% of alleles in individuals of European (Non-Finnish) descent in gnomAD. At this time, the clinical significance of this variant is uncertain due to the absence of conclusive functional and genetic evidence.